The following is an entry in ClinVar:

NM_004977.3(KCNC3):c.758_790del (p.Gly253_Gly263del)

Genes: KCNC3 (potassium voltage-gated channel subfamily C member 3; minus strand), LOC130064972 (ATAC-STARR-seq lymphoblastoid silent region 10954; plus strand). Cytogenetic location: 19q13.33.
Variant type: Deletion.
Coding change: c.758_790del on transcript NM_004977.3 (MANE Select); coding-DNA positions 758 to 790, 33 bases deleted.
Protein change: p.Gly253_Gly263del.
Molecular consequence: inframe deletion.
Genome position (GRCh38, 1-based): chr19:50,328,293-50,328,325, 33 bases deleted; deleting any 33 consecutive bases within chr19:50,328,293-50,328,336 gives the same sequence; the c. name uses the placement nearest the transcript's 3' end. GRCh37 (hg19): chr19:50,831,561-50,831,593.
Other names: c.530_562del, p.Gly177_Gly187del (NM_001372305.1).
Identifiers: ClinVar variation 1994742 (VCV001994742.4), dbSNP rs1330990430, ClinGen allele CA633677579.

ClinVar aggregate classification (germline): Uncertain significance (1 of 4 stars; one submission).

Submission:

Labcorp Genetics (formerly Invitae), Labcorp
Classification: Uncertain significance. Last evaluated: 2022-05-15. Review status: criteria provided, single submitter. Criteria: Invitae Variant Classification Sherloc (09022015). Collection method: clinical testing. Allele origin: germline.
Comment: The frequency data for this variant in the population databases is considered unreliable, as metrics indicate insufficient coverage at this position in the gnomAD database. This variant, c.758_790del, results in the deletion of 11 amino acid(s) of the KCNC3 protein (p.Gly253_Gly263del), but otherwise preserves the integrity of the reading frame. This variant has not been reported in the literature in individuals affected with KCNC3-related conditions. In summary, the available evidence is currently insufficient to determine the role of this variant in disease. Therefore, it has been classified as a Variant of Uncertain Significance. Experimental studies and prediction algorithms are not available or were not evaluated, and the functional significance of this variant is currently unknown.